The following is an entry in ClinVar:

NM_015629.4(PRPF31):c.274G>T (p.Val92Phe)

Genes: PRPF31 (pre-mRNA processing factor 31; plus strand), PRPF31-AS1 (PRPF31 antisense RNA 1; minus strand). Cytogenetic location: 19q13.42.
Variant type: single nucleotide variant.
Coding change: c.274G>T on transcript NM_015629.4 (MANE Select); coding-DNA position 274, G replaced by T.
Protein change: p.Val92Phe; replaces valine 92 with phenylalanine.
Molecular consequence: missense variant.
Genome position (GRCh38, 1-based): chr19:54,121,895, G>T. VCF-style: chr19-54121895-G-T. GRCh37 (hg19) VCF-style: chr19-54625274-G-T.
Other names: short protein forms V92F.
Identifiers: ClinVar variation 1992650 (VCV001992650.4), dbSNP rs776730311, ClinGen allele CA407749245.

ClinVar aggregate classification (germline): Uncertain significance (1 of 4 stars; one submission).

Submission:

Labcorp Genetics (formerly Invitae), Labcorp
Classification: Uncertain significance. Last evaluated: 2022-05-10. Review status: criteria provided, single submitter. Criteria: Invitae Variant Classification Sherloc (09022015). Collection method: clinical testing. Allele origin: germline.
Comment: In summary, the available evidence is currently insufficient to determine the role of this variant in disease. Therefore, it has been classified as a Variant of Uncertain Significance. Algorithms developed to predict the effect of missense changes on protein structure and function are either unavailable or do not agree on the potential impact of this missense change (SIFT: "Tolerated"; PolyPhen-2: "Possibly Damaging"; Align-GVGD: "Class C0"). This variant has not been reported in the literature in individuals affected with PRPF31-related conditions. This variant is not present in population databases (gnomAD no frequency). This sequence change replaces valine, which is neutral and non-polar, with phenylalanine, which is neutral and non-polar, at codon 92 of the PRPF31 protein (p.Val92Phe).